The following is an entry in ClinVar:

ClinVar aggregate classification (germline): Uncertain significance (1 of 4 stars; one submission).

Conditions:
Myofibrillar myopathy 4. Also called: Zaspopathy (type). Identifiers: Orphanet 98912, MedGen C4721886, MONDO:0012277, OMIM 609452.

Allele frequency attached by ClinVar (database versions not stated): TOPMed 0.00001.

Submission:

Labcorp Genetics (formerly Invitae), Labcorp
Classification: Uncertain significance for Myofibrillar myopathy 4. Last evaluated: 2023-05-23. Review status: criteria provided, single submitter. Criteria: Invitae Variant Classification Sherloc (09022015). Collection method: clinical testing. Allele origin: germline.
Comment: In summary, the available evidence is currently insufficient to determine the role of this variant in disease. Therefore, it has been classified as a Variant of Uncertain Significance. An algorithm developed to predict the effect of missense changes on protein structure and function (PolyPhen-2) suggests that this variant is likely to be disruptive. ClinVar contains an entry for this variant (Variation ID: 1926939). This variant has not been reported in the literature in individuals affected with LDB3-related conditions. This variant is present in population databases (no rsID available, gnomAD 0.004%). This sequence change replaces alanine, which is neutral and non-polar, with valine, which is neutral and non-polar, at codon 51 of the LDB3 protein (p.Ala51Val).

NM_007078.3(LDB3):c.152C>T (p.Ala51Val)

Gene: LDB3 (LIM domain binding 3; plus strand). Cytogenetic location: 10q23.2.
Variant type: single nucleotide variant.
Coding change: c.152C>T on transcript NM_007078.3 (MANE Select); coding-DNA position 152, C replaced by T.
Protein change: p.Ala51Val; replaces alanine 51 with valine.
Molecular consequence: missense variant.
Genome position (GRCh38, 1-based): chr10:86,679,425, C>T. VCF-style: chr10-86679425-C-T. GRCh37 (hg19) VCF-style: chr10-88439182-C-T.
Other names: c.152C>T, p.Ala51Val (NM_001080114.2, NM_001080115.2, NM_001080116.1 and 8 more transcripts); short protein forms A51V.
Identifiers: ClinVar variation 1926939 (VCV001926939.5), dbSNP rs1408157154, ClinGen allele CA377451242.
Genomic context (GRCh38, chr10:86,679,425, plus strand): 5'-AGATCACACCAGGCAGCAAGGCAGCCCAGTCCCAGCTCAGCCAGGGTGACCTCGTGGTGG[C>T]CATTGACGGCGTCAACACAGACACCATGACCCACCTGGAAGCCCAGAACAAGATCAAGTC-3'
Protein context (NP_009009.1, residues 41-61): SQLSQGDLVV[Ala51Val]IDGVNTDTMT